The following is an entry in ClinVar:

ClinVar aggregate classification (germline): Uncertain significance (1 of 4 stars; one submission).

Submission:

Labcorp Genetics (formerly Invitae), Labcorp
Classification: Uncertain significance. Last evaluated: 2025-01-01. Review status: criteria provided, single submitter. Criteria: Invitae Variant Classification Sherloc (09022015). Collection method: clinical testing. Allele origin: germline.
Comment: This sequence change replaces aspartic acid, which is acidic and polar, with valine, which is neutral and non-polar, at codon 4142 of the HMCN1 protein (p.Asp4142Val). This variant is not present in population databases (gnomAD no frequency). This variant has not been reported in the literature in individuals affected with HMCN1-related conditions. An algorithm developed to predict the effect of missense changes on protein structure and function (PolyPhen-2) suggests that this variant is likely to be disruptive. In summary, the available evidence is currently insufficient to determine the role of this variant in disease. Therefore, it has been classified as a Variant of Uncertain Significance.

NM_031935.3(HMCN1):c.12425A>T (p.Asp4142Val)

Gene: HMCN1 (hemicentin 1; plus strand). Cytogenetic location: 1q31.1.
Variant type: single nucleotide variant.
Coding change: c.12425A>T on transcript NM_031935.3 (MANE Select); coding-DNA position 12425, A replaced by T.
Protein change: p.Asp4142Val; replaces aspartic acid 4142 with valine.
Molecular consequence: missense variant.
Genome position (GRCh38, 1-based): chr1:186,123,146, A>T. VCF-style: chr1-186123146-A-T. GRCh37 (hg19) VCF-style: chr1-186092278-A-T.
Other names: short protein forms D4142V.
Identifiers: ClinVar variation 3728121 (VCV003728121.2).